The following is an entry in ClinVar:

NM_031935.3(HMCN1):c.13631C>A (p.Thr4544Asn)

Gene: HMCN1 (hemicentin 1; plus strand). Cytogenetic location: 1q31.1.
Variant type: single nucleotide variant.
Coding change: c.13631C>A on transcript NM_031935.3 (MANE Select); coding-DNA position 13631, C replaced by A.
Protein change: p.Thr4544Asn; replaces threonine 4544 with asparagine.
Molecular consequence: missense variant.
Genome position (GRCh38, 1-based): chr1:186,137,546, C>A. VCF-style: chr1-186137546-C-A. GRCh37 (hg19) VCF-style: chr1-186106678-C-A.
Other names: short protein forms T4544N.
Identifiers: ClinVar variation 1928378 (VCV001928378.5), dbSNP rs776609897, ClinGen allele CA1294702.
Genomic context (GRCh38, chr1:186,137,546, plus strand): 5'-TTTTATTTGCAGTTCATGGTGGATTTTCCCAGTGGTCTGCATGGAGAGCCTGCAGTGTCA[C>A]CTGTGGAAAAGGCATCCAAAAGAGGAGTCGTCTGTGCAACCAGCCCCTTCCAGCCAATGG-3'
Protein context (NP_114141.2, residues 4534-4554): QWSAWRACSV[Thr4544Asn]CGKGIQKRSR

ClinVar aggregate classification (germline): Uncertain significance (1 of 4 stars; one submission).

Allele frequency attached by ClinVar (database versions not stated): ExAC 0.00001.
gnomAD v4.1: 53 of 1,613,798 alleles (0.0033%); highest among the groups gnomAD compares: Non-Finnish European, 0.0044%; no homozygotes.

Submission:

Labcorp Genetics (formerly Invitae), Labcorp
Classification: Uncertain significance. Last evaluated: 2025-01-06. Review status: criteria provided, single submitter. Criteria: Invitae Variant Classification Sherloc (09022015). Collection method: clinical testing. Allele origin: germline.
Comment: This sequence change replaces threonine, which is neutral and polar, with asparagine, which is neutral and polar, at codon 4544 of the HMCN1 protein (p.Thr4544Asn). This variant is present in population databases (rs776609897, gnomAD 0.004%). This variant has not been reported in the literature in individuals affected with HMCN1-related conditions. ClinVar contains an entry for this variant (Variation ID: 1928378). An algorithm developed to predict the effect of missense changes on protein structure and function (PolyPhen-2) suggests that this variant is likely to be disruptive. In summary, the available evidence is currently insufficient to determine the role of this variant in disease. Therefore, it has been classified as a Variant of Uncertain Significance.